The following is an entry in ClinVar:

ClinVar aggregate classification (germline): Uncertain significance. Review status: reviewed by expert panel (3 of 4 stars). 14 submissions from 14 submitters: Uncertain significance (1). 13 of the submissions do not count toward it. Last evaluated 2025-08-01.

Conditions:
RYR1-related disorder. Also called: RYR1-related disorders; RYR1-related condition. Identifiers: MedGen CN239331.
Inborn genetic diseases. Identifiers: MedGen C0950123, MeSH D030342.
Malignant hyperthermia of anesthesia. Also called: Anesthesic-triggered malignant hyperthermia. Identifiers: Orphanet 423, MedGen C0024591, MONDO:0018493, HP:0034733.
Central core myopathy (CMYO1A). Also called: CONGENITAL MYOPATHY 1A, AUTOSOMAL DOMINANT, WITH SUSCEPTIBILITY TO MALIGNANT HYPERTHERMIA; Central core disease; Myopathy, central fibrillar. Identifiers: Orphanet 597, MedGen C5830701, MONDO:0007294, OMIM 117000.

Submissions 1 to 7 of 14:

ClinGen Malignant Hyperthermia Susceptibility Variant Curation Expert Panel, ClinGen
Classification: Uncertain significance for Malignant hyperthermia of anesthesia. Last evaluated: 2025-08-01. Review status: reviewed by expert panel. Criteria: ClinGen MHS ACMG Specifications V2. Collection method: curation. Allele origin: germline. Inheritance: Autosomal dominant inheritance.
Comment: This pathogenicity assessment is relevant only for malignant hyperthermia susceptibility (MHS) inherited in an autosomal dominant pattern. Variants in RYR1 can also cause other myopathies inherited in an autosomal dominant pattern or in an autosomal recessive pattern. Some of these disorders may predispose individuals to malignant hyperthermia. RYR1 variants may also contribute to a malignant hyperthermia reaction in combination with other genetic and non-genetic factors and the clinician needs to consider such factors in making management decisions. This sequence variant predicts a substitution of arginine with glutamine at codon 4893 of the RYR1 protein, p.(Arg4893Gln). This variant was not present in a large population database (gnomAD) at the time this variant was interpreted. To our knowledge this variant has not been reported in the literature in individuals who have a personal or family history of a malignant hyperthermia reaction (PMID:30236257, UK (Leeds) MH Investigational Unit). No functional studies were identified for this variant. This variant resides in a region of RYR1 considered to be a hotspot for pathogenic variants that contribute to MHS, PM1_Supporting (PMID: 21118704). A REVEL score >0.85 (0.963) supports a pathogenic status for this variant, PP3_Moderate. This variant has been classified as a Variant of Uncertain Significance. Criteria implemented: PM1_Supporting, PP3_Moderate.

Department of Pathophysiology and Transplantation, IRCCS Foundation Ca' Granda Ospedale Maggiore Policlinico
Classification: Likely pathogenic for RYR1-related disorder. Last evaluated: 2025-11-19. Review status: criteria provided, single submitter. Criteria: ACMG Guidelines, 2015. Collection method: research. Allele origin: inherited. Affected: yes. Observed: 3 variant alleles. Not counted in ClinVar's aggregate classification.
Comment: The NM_000540.3: c.14678G>A (coding exon 102) is a missense variant in RYR1, which results in the protein change p. Arg4893Gln, located in the Pore domain. Western blot and immunofluorescent studies revealed a great reduction in the expression level of RyR1 and DHPR, and an altered distribution, core-like accumulations, in some fibres. The ultrastructural analysis showed small areas of sarcomeric disorganization characterized by thickening of z-line. The variant was identified as dominant, because it segregated with disease in the family (four affected members). This variant was previously reported as associated with CCD. It is not present in gnomAD and meets criteria ACMG/AMP to be classified as Likely Pathogenic: PP3 (strong)-PM2-PM5-PP2.

Labcorp Genetics (formerly Invitae), Labcorp
Classification: Pathogenic for RYR1-related disorder. Last evaluated: 2025-11-09. Review status: criteria provided, single submitter. Criteria: Invitae Variant Classification Sherloc (09022015). Collection method: clinical testing. Allele origin: germline. Not counted in ClinVar's aggregate classification.
Comment: This sequence change replaces arginine, which is basic and polar, with glutamine, which is neutral and polar, at codon 4893 of the RYR1 protein (p.Arg4893Gln). This variant is not present in population databases (gnomAD no frequency). This missense change has been observed in individuals with autosomal dominant malignant hyperthermia and central core disease (CCD) (PMID: 12565913, 22550088, 23183335, 25628744, 30236257). It has also been observed to segregate with disease in related individuals. ClinVar contains an entry for this variant (Variation ID: 65988). Invitae Evidence Modeling of protein sequence and biophysical properties (such as structural, functional, and spatial information, amino acid conservation, physicochemical variation, residue mobility, and thermodynamic stability) has been performed for this missense variant. However, the output from this modeling did not meet the statistical confidence thresholds required to predict the impact of this variant on RYR1 protein function. Experimental studies have shown that this missense change affects RYR1 function (PMID: 23183335). This variant disrupts the p.Arg4893 amino acid residue in RYR1. Other variant(s) that disrupt this residue have been determined to be pathogenic (PMID: 11709545, 14670767). This suggests that this residue is clinically significant, and that variants that disrupt this residue are likely to be disease-causing. For these reasons, this variant has been classified as Pathogenic.

GeneDx
Classification: Likely pathogenic. Last evaluated: 2025-11-07. Review status: criteria provided, single submitter. Criteria: GeneDx Variant Classification Process June 2021. Collection method: clinical testing. Allele origin: germline. Affected: yes. Not counted in ClinVar's aggregate classification.
Comment: In silico analysis supports that this missense variant has a deleterious effect on protein structure/function; In silico analysis supports a deleterious effect on splicing; Not observed at significant frequency in large population cohorts (gnomAD); This variant is associated with the following publications: (PMID: 11709545, 20301565, 23183335, 25214167, 15564033, 22550088, 35693006, 31130284, 25628744, 16917943, 35081925, 17483490, 33646171, 29669168, 30236257, 20681998, 33767344, 36833224, 38968056, 27147545, 12565913, 25331388, 14670767, 24950660)

PreventionGenetics, part of Exact Sciences
Classification: Pathogenic for RYR1-related condition. Last evaluated: 2025-11-04. Review status: criteria provided, single submitter. Criteria: ACMG Guidelines, 2015. Collection method: clinical testing. Allele origin: germline. Not counted in ClinVar's aggregate classification.
Comment: The RYR1 c.14678G>A variant is predicted to result in the amino acid substitution p.Arg4893Gln. This sequence variant has been reported to be causative for autosomal dominant RYR1-related myopathies (see for example: Davis M.R. et al. 2003. PubMed ID: 12565913; Chang X. et al. 2013. PubMed ID: 22550088; Savarese et al. 2014. PubMed ID: 25214167; Jung et al. 2014. PubMed ID: 25628744). Alternate missense changes at the same amino acid position (p.Arg4893Pro and p.Arg4893Trp) have also been reported to be causative in several families (see for example: Wu S. et al. 2006. PubMed ID: 16621918; Monnier N. et al. 2001. PubMed ID: 11709545; Rocha J. et al. 2014. PubMed ID: 24950660). The c.14678G>A variant has also been reported in 3 families with malignant hyperthermia; however, limited clinical information was provided, and pathogenicity for malignant hyperthermia was not established (Miller DM et al 2018. PubMed ID: 30236257). This variant is interpreted as uncertain by the Malignant Hyperthermia Susceptibility Variant Curation Expert Panel, but is also interpreted by several outside laboratories as likely pathogenic or pathogenic for autosomal dominant RYR1-related myopathy (ClinVar ID: 65988). To our knowledge, this variant has not been reported in a large population database (gnomAD), indicating this variant is rare. In summary, the c.14678G>A variant is categorized as pathogenic for autosomal dominant RYR1-related myopathies; however, the clinical significance for autosomal dominant malignant hyperthermia susceptibility is uncertain.

Athena Diagnostics
Classification: Pathogenic. Last evaluated: 2025-08-12. Review status: criteria provided, single submitter. Criteria: Athena Diagnostics Criteria. Collection method: clinical testing. Allele origin: unknown. Not counted in ClinVar's aggregate classification.
Comment: This variant has not been reported in large, multi-ethnic general populations. This variant has been identified in multiple unrelated individuals with autosomal dominant (AD) central core disease with either no signs of susceptibility to malignant hyperthermia (MHS) or where MHS had not been tested for. This variant has also been seen in at least one individual with MHS without signs of central core disease. Assessment of experimental evidence suggests this variant results in abnormal protein function. (PMID: 23183335)

CeGaT Center for Human Genetics Tuebingen
Classification: Likely pathogenic. Last evaluated: 2024-08-01. Review status: criteria provided, single submitter. Criteria: CeGaT Center For Human Genetics Tuebingen Variant Classification Criteria Version 2. Collection method: clinical testing. Allele origin: germline. Affected: yes. Observed: 1 variant allele. Not counted in ClinVar's aggregate classification.
Comment: RYR1: PM1, PM2, PM5, PS4:Moderate, PP3

NM_000540.3(RYR1):c.14678G>A (p.Arg4893Gln)

Gene: RYR1 (ryanodine receptor 1; plus strand). Cytogenetic location: 19q13.2.
Variant type: single nucleotide variant.
Coding change: c.14678G>A on transcript NM_000540.3 (MANE Select); coding-DNA position 14678, G replaced by A.
Protein change: p.Arg4893Gln; replaces arginine 4893 with glutamine.
Molecular consequence: missense variant.
Genome position (GRCh38, 1-based): chr19:38,584,974, G>A. VCF-style: chr19-38584974-G-A. GRCh37 (hg19) VCF-style: chr19-39075614-G-A.
Other names: NM_000540.2(RYR1):c.14678G>A; c.14663G>A, p.Arg4888Gln (NM_001042723.2); short protein forms R4893Q, R4888Q.
Identifiers: ClinVar variation 65988 (VCV000065988.51), dbSNP rs118192151, ClinGen allele CA024221.